The following is an entry in ClinVar:

NM_003743.5(NCOA1):c.*8del

Gene: NCOA1 (nuclear receptor coactivator 1; plus strand). Cytogenetic location: 2p23.3.
Variant type: Deletion.
Coding change: c.*8del on transcript NM_003743.5 (MANE Select); 8 bases downstream of the stop codon, one base deleted (T; older notation c.*8delT).
Molecular consequence: 3 prime UTR variant.
Genome position (GRCh38, 1-based): chr2:24,768,399, T deleted; the last of 4 consecutive T bases (chr2:24,768,396-24,768,399); deleting any one gives the same sequence. VCF-style (leftmost placement, unchanged base first): chr2-24768395-CT-C. GRCh37 (hg19) VCF-style: chr2-24991264-CT-C.
Other names: c.*191del (NM_001362950.1, NM_001362952.1, NM_001362955.1 and 1 more transcripts); c.*188del (NM_001362954.1); c.*8del (NM_147233.2).
Identifiers: ClinVar variation 3357090 (VCV003357090.1).
Genomic context (GRCh38, chr2:24,768,395, plus strand): 5'-CCACAGACCCCCCAGGCCCAGCAGAAGAGCCTCCTTCAGCAGCTACTGACTGAATAACCA[CT>C]TTTAAAGGAATGTGAAATTTAAATAATAGACATACAGAGATATACAAATATATTATATAT-3'

ClinVar aggregate classification (germline): Likely benign (0 of 4 stars; one submission).

Conditions:
NCOA1-related disorder. Also called: NCOA1-related condition.

Submission:

PreventionGenetics, part of Exact Sciences
Classification: Likely benign for NCOA1-related condition. Last evaluated: 2021-07-02. Review status: no assertion criteria provided. Collection method: clinical testing. Allele origin: germline.
Comment: This variant is classified as likely benign based on ACMG/AMP sequence variant interpretation guidelines (Richards et al. 2015 PMID: 25741868, with internal and published modifications).